The following is an entry in ClinVar:

NM_002739.5(PRKCG):c.256C>G (p.Pro86Ala)

Gene: PRKCG (protein kinase C gamma; plus strand). Cytogenetic location: 19q13.42.
Variant type: single nucleotide variant.
Coding change: c.256C>G on transcript NM_002739.5 (MANE Select); coding-DNA position 256, C replaced by G.
Protein change: p.Pro86Ala; replaces proline 86 with alanine.
Molecular consequence: missense variant.
Genome position (GRCh38, 1-based): chr19:53,884,214, C>G. VCF-style: chr19-53884214-C-G. GRCh37 (hg19) VCF-style: chr19-54387468-C-G.
Other names: c.256C>G, p.Pro86Ala (NM_001316329.2); short protein forms P86A.
Identifiers: ClinVar variation 1698192 (VCV001698192.2), dbSNP rs2122976612, ClinGen allele CA407413374.

ClinVar aggregate classification (germline): Uncertain significance (1 of 4 stars; one submission).

Submission:

GeneDx
Classification: Uncertain significance. Last evaluated: 2022-01-24. Review status: criteria provided, single submitter. Criteria: GeneDx Variant Classification Process June 2021. Collection method: clinical testing. Allele origin: germline. Affected: yes.
Comment: Not observed at significant frequency in large population cohorts (gnomAD); In silico analysis supports that this missense variant has a deleterious effect on protein structure/function; Has not been previously published as pathogenic or benign to our knowledge